The following is an entry in ClinVar:

NM_001377137.1(GBF1):c.4641G>T (p.Leu1547=)

Gene: GBF1 (golgi brefeldin A resistant guanine nucleotide exchange factor 1; plus strand). Cytogenetic location: 10q24.32.
Variant type: single nucleotide variant.
Coding change: c.4641G>T on transcript NM_001377137.1 (MANE Select); coding-DNA position 4641, G replaced by T.
Protein change: p.Leu1547=; no amino-acid change (leucine 1547 retained).
Molecular consequence: synonymous variant. On other transcripts: non-coding transcript variant (5), intron variant (1).
Genome position (GRCh38, 1-based): chr10:102,379,430, G>T. VCF-style: chr10-102379430-G-T. GRCh37 (hg19) VCF-style: chr10-104139187-G-T.
Other names: c.4629G>T, p.Leu1543= (NM_001199378.2, NM_001391923.1); c.4626G>T, p.Leu1542= (NM_001199379.2, NM_001391924.1, NM_001391927.1); c.4590G>T, p.Leu1530= (NM_001377138.1); c.4344G>T, p.Leu1448= (NM_001377139.1); c.4332G>T, p.Leu1444= (NM_001377140.1); c.4638G>T, p.Leu1546= (NM_001377141.1, NM_004193.3); c.4725G>T, p.Leu1575= (NM_001391922.1); c.4602G>T, p.Leu1534= (NM_001391925.1); and 7 more.
Identifiers: ClinVar variation 4821408 (VCV004821408.4).

ClinVar aggregate classification (germline): Likely benign (1 of 4 stars; one submission).

gnomAD v4.1: 80 of 1,613,984 alleles (0.005%); highest among the groups gnomAD compares: Admixed American, 0.032%; 1 homozygote.

Submission:

CeGaT Center for Human Genetics Tuebingen
Classification: Likely benign. Last evaluated: 2026-01-01. Review status: criteria provided, single submitter. Criteria: CeGaT Center For Human Genetics Tuebingen Variant Classification Criteria Version 2. Collection method: clinical testing. Allele origin: germline. Affected: yes. Observed: 1 variant allele.
Comment: GBF1: BP4, BP7